The following is an entry in ClinVar:

ClinVar aggregate classification (germline): Benign. Review status: criteria provided, multiple submitters, no conflicts (2 of 4 stars). 11 submissions from 8 submitters: Benign (11). Last evaluated 2026-02-04.

Conditions:
Malignant hyperthermia, susceptibility to, 5 (MHS5). Also called: CACNA1S-Related Malignant Hyperthermia Susceptibility. Identifiers: Orphanet 423, MedGen C1866077, MONDO:0011163, OMIM 601887.
Hypokalemic periodic paralysis, type 1. Also called: HypoPP; Hypokalemic Periodic Paralysis Type 1 (AD). Identifiers: Orphanet 681, MedGen C3714580, MONDO:0042979, OMIM 170400.
Congenital myopathy 18. Also called: DIHYDROPYRIDINE RECEPTOR CONGENITAL MYOPATHY; DHPR CONGENITAL MYOPATHY; Myopathy, congenital, due to dihydropyridine receptor defect. Identifiers: MedGen C5830283, MONDO:0859514, OMIM 620246.
Thyrotoxic periodic paralysis, susceptibility to, 1 (TTPP1). Identifiers: Orphanet 79102, MedGen C2749982, MONDO:0008570, OMIM 188580.

Allele frequency attached by ClinVar (database versions not stated): ESP Exome Variant Server 0.01522; gnomAD 0.02512 and 0.02757; gnomAD exomes 0.02834 and 0.04520; TOPMed 0.03051; ExAC 0.04060; 1000 Genomes Project 30x 0.05137; 1000 Genomes Project 0.05511.
gnomAD v4.1: 45,714 of 1,613,074 alleles (2.8%); highest among the groups gnomAD compares: East Asian, 21%; 1,712 homozygotes.

Submissions (19):

Labcorp Genetics (formerly Invitae), Labcorp
Classification: Benign for Hypokalemic periodic paralysis, type 1; Malignant hyperthermia, susceptibility to, 5. Last evaluated: 2026-02-04. Review status: criteria provided, single submitter. Criteria: Invitae Variant Classification Sherloc (09022015). Collection method: clinical testing. Allele origin: germline.

Genome-Nilou Lab
Classification: Benign for Malignant hyperthermia, susceptibility to, 5. Last evaluated: 2023-04-11. Review status: criteria provided, single submitter. Criteria: ACMG Guidelines, 2015. Collection method: clinical testing. Allele origin: germline. Affected: no.

Genome-Nilou Lab
Classification: Benign for Thyrotoxic periodic paralysis, susceptibility to, 1. Last evaluated: 2023-04-11. Review status: criteria provided, single submitter. Criteria: ACMG Guidelines, 2015. Collection method: clinical testing. Allele origin: germline. Affected: no.

Genome-Nilou Lab
Classification: Benign for Congenital myopathy 18. Last evaluated: 2023-04-11. Review status: criteria provided, single submitter. Criteria: ACMG Guidelines, 2015. Collection method: clinical testing. Allele origin: germline. Affected: no.

Genome-Nilou Lab
Classification: Benign for Hypokalemic periodic paralysis, type 1. Last evaluated: 2023-04-11. Review status: criteria provided, single submitter. Criteria: ACMG Guidelines, 2015. Collection method: clinical testing. Allele origin: germline. Affected: no.

Athena Diagnostics
Classification: Benign. Last evaluated: 2021-07-28. Review status: criteria provided, single submitter. Criteria: Athena Diagnostics Criteria. Collection method: clinical testing. Allele origin: unknown.

Mayo Clinic Laboratories, Mayo Clinic
Classification: Benign. Last evaluated: 2019-04-25. Review status: criteria provided, single submitter. Criteria: ACMG Guidelines, 2015. Collection method: clinical testing. Allele origin: germline. Observed: 29 variant alleles.

Illumina Laboratory Services, Illumina
Classification: Benign for Hypokalemic periodic paralysis, type 1. Last evaluated: 2018-01-13. Review status: criteria provided, single submitter. Criteria: ICSL Variant Classification Criteria 13 December 2019. Collection method: clinical testing. Allele origin: germline.
Comment: This variant was observed in the ICSL laboratory as part of a predisposition screen in an ostensibly healthy population. It had not been previously curated by ICSL or reported in the Human Gene Mutation Database (HGMD: prior to June 1st, 2018), and was therefore a candidate for classification through an automated scoring system. Utilizing variant allele frequency, disease prevalence and penetrance estimates, and inheritance mode, an automated score was calculated to assess if this variant is too frequent to cause the disease. Based on the score and internal cut-off values, a variant classified as benign is not then subjected to further curation. The score for this variant resulted in a classification of benign for this disease.

GeneDx
Classification: Benign. Last evaluated: 2016-02-26. Review status: criteria provided, single submitter. Criteria: GeneDx Variant Classification (06012015). Collection method: clinical testing. Allele origin: germline. Affected: yes.
Comment: This variant is considered likely benign or benign based on one or more of the following criteria: it is a conservative change, it occurs at a poorly conserved position in the protein, it is predicted to be benign by multiple in silico algorithms, and/or has population frequency not consistent with disease.

Breakthrough Genomics
Classification: Benign. Review status: criteria provided, single submitter. Criteria: ACMG Guidelines, 2015. Collection method: not provided. Allele origin: germline. Inheritance: Autosomal dominant inheritance. Affected: yes.

PreventionGenetics, part of Exact Sciences
Classification: Benign. Review status: criteria provided, single submitter. Criteria: ACMG Guidelines, 2015. Collection method: clinical testing. Allele origin: germline.

Dr. Peter K. Rogan Lab, Western University
No classification provided (evidence only). Condition: Lung cancer. Review status: no classification provided. Collection method: in vitro. Allele origin: not applicable. Functional consequence: retained intron. Not counted in ClinVar's aggregate classification.

Dr. Peter K. Rogan Lab, Western University
No classification provided (evidence only). Condition: Uterine corpus endometrial carcinoma. Review status: no classification provided. Collection method: in vitro. Allele origin: not applicable. Functional consequence: retained intron. Not counted in ClinVar's aggregate classification.

Dr. Peter K. Rogan Lab, Western University
No classification provided (evidence only). Condition: Hepatocellular carcinoma. Review status: no classification provided. Collection method: in vitro. Allele origin: not applicable. Functional consequence: retained intron. Not counted in ClinVar's aggregate classification.

Dr. Peter K. Rogan Lab, Western University
No classification provided (evidence only). Condition: Cholangiocarcinoma. Review status: no classification provided. Collection method: in vitro. Allele origin: not applicable. Functional consequence: retained intron. Not counted in ClinVar's aggregate classification.

Dr. Peter K. Rogan Lab, Western University
No classification provided (evidence only). Condition: Malignant tumor of esophagus. Review status: no classification provided. Collection method: in vitro. Allele origin: not applicable. Functional consequence: retained intron. Not counted in ClinVar's aggregate classification.

Dr. Peter K. Rogan Lab, Western University
No classification provided (evidence only). Condition: Malignant tumor of esophagus. Review status: no classification provided. Collection method: in vitro. Allele origin: not applicable. Functional consequence: retained intron. Not counted in ClinVar's aggregate classification.

Dr. Peter K. Rogan Lab, Western University
No classification provided (evidence only). Condition: Malignant tumor of esophagus. Review status: no classification provided. Collection method: in vitro. Allele origin: not applicable. Functional consequence: retained intron. Not counted in ClinVar's aggregate classification.

Dr. Peter K. Rogan Lab, Western University
No classification provided (evidence only). Condition: Malignant tumor of esophagus. Review status: no classification provided. Collection method: in vitro. Allele origin: not applicable. Functional consequence: retained intron. Not counted in ClinVar's aggregate classification.

NM_000069.3(CACNA1S):c.1393+7C>T

Gene: CACNA1S (calcium voltage-gated channel subunit alpha1 S; minus strand). Cytogenetic location: 1q32.1.
Variant type: single nucleotide variant.
Coding change: c.1393+7C>T on transcript NM_000069.3 (MANE Select); 7 bases into the intron after coding-DNA position 1393, C replaced by T.
Molecular consequence: intron variant.
Genome position (GRCh38, 1-based): chr1:201,083,155, G>A on the plus strand (C>T on the coding strand, the complement: CACNA1S is on the minus strand). VCF-style: chr1-201083155-G-A. GRCh37 (hg19) VCF-style: chr1-201052283-G-A.
Other names: p.?.
Identifiers: ClinVar variation 254792 (VCV000254792.20), dbSNP rs3767512, ClinGen allele CA078195.